The following is an entry in ClinVar:

NM_001768.7(CD8A):c.333CTA[1] (p.Tyr113del)

Gene: CD8A (CD8 subunit alpha; minus strand). Cytogenetic location: 2p11.2.
Variant type: Microsatellite.
Coding change: c.333CTA[1] on transcript NM_001768.7 (MANE Select); one copy of the 3-base unit CTA starting at c.333; the reference has two copies in a row; one copy, 3 bases deleted.
Protein change: p.Tyr113del; deletes tyrosine 113.
Molecular consequence: inframe deletion. On other transcripts: non-coding transcript variant (3).
Genome position (GRCh38, 1-based): chr2:86,790,393-86,790,395, TAG deleted on the plus strand (CTA on the coding strand, the reverse complement: CD8A is on the minus strand); deleting any 3 consecutive bases within chr2:86,790,393-86,790,398 gives the same sequence; the position shown is the placement nearest the transcript's 3' end. VCF-style (leftmost placement, unchanged base first): chr2-86790392-ATAG-A. GRCh37 (hg19) VCF-style: chr2-87017515-ATAG-A.
Other names: c.333CTA[1], p.Tyr113del (NM_001145873.1, NM_001382698.1, NM_171827.4); short protein forms Y113del.
Identifiers: ClinVar variation 1403960 (VCV001403960.6), dbSNP rs1461719695, ClinGen allele CA894078014.

ClinVar aggregate classification (germline): Uncertain significance (1 of 4 stars; one submission).

Conditions:
Susceptibility to respiratory infections associated with CD8alpha chain mutation (IMD116). Also called: Cd8 deficiency, familial; IMMUNODEFICIENCY 116. Identifiers: Orphanet 169085, MedGen C1837065, MONDO:0012161, OMIM 608957.

Submission:

Labcorp Genetics (formerly Invitae), Labcorp
Classification: Uncertain significance for Susceptibility to respiratory infections associated with CD8alpha chain mutation. Last evaluated: 2021-06-23. Review status: criteria provided, single submitter. Criteria: Invitae Variant Classification Sherloc (09022015). Collection method: clinical testing. Allele origin: germline.
Comment: In summary, the available evidence is currently insufficient to determine the role of this variant in disease. Therefore, it has been classified as a Variant of Uncertain Significance. Experimental studies and prediction algorithms are not available or were not evaluated, and the functional significance of this variant is currently unknown. This variant has not been reported in the literature in individuals with CD8A-related conditions. This variant is not present in population databases (ExAC no frequency). This variant, c.336_338del, results in the deletion of 1 amino acid(s) of the CD8A protein (p.Tyr113del), but otherwise preserves the integrity of the reading frame.